The following is an entry in ClinVar:

ClinVar aggregate classification (germline): Uncertain significance (1 of 4 stars; one submission).

Submission:

Labcorp Genetics (formerly Invitae), Labcorp
Classification: Uncertain significance. Last evaluated: 2022-10-05. Review status: criteria provided, single submitter. Criteria: Invitae Variant Classification Sherloc (09022015). Collection method: clinical testing. Allele origin: germline.
Comment: In summary, the available evidence is currently insufficient to determine the role of this variant in disease. Therefore, it has been classified as a Variant of Uncertain Significance. Algorithms developed to predict the effect of missense changes on protein structure and function (SIFT, PolyPhen-2, Align-GVGD) all suggest that this variant is likely to be tolerated. This variant has not been reported in the literature in individuals affected with SLC25A3-related conditions. This variant is not present in population databases (gnomAD no frequency). This sequence change replaces serine, which is neutral and polar, with glycine, which is neutral and non-polar, at codon 298 of the SLC25A3 protein (p.Ser298Gly).

NM_002635.4(SLC25A3):c.889A>G (p.Ser297Gly)

Gene: SLC25A3 (solute carrier family 25 member 3; plus strand). Cytogenetic location: 12q23.1.
Variant type: single nucleotide variant.
Coding change: c.889A>G on transcript NM_002635.4 (MANE Select); coding-DNA position 889, A replaced by G.
Protein change: p.Ser297Gly; replaces serine 297 with glycine.
Molecular consequence: missense variant.
Genome position (GRCh38, 1-based): chr12:98,601,245, A>G. VCF-style: chr12-98601245-A-G. GRCh37 (hg19) VCF-style: chr12-98995023-A-G.
Other names: c.892A>G, p.Ser298Gly (NM_005888.4); c.889A>G, p.Ser297Gly (NM_213611.3); short protein forms S297G, S298G.
Identifiers: ClinVar variation 2010553 (VCV002010553.4), dbSNP rs748105249, ClinGen allele CA386169519.